The following is an entry in ClinVar:

ClinVar aggregate classification (germline): Uncertain significance (1 of 4 stars; one submission).

Submission:

Women's Health and Genetics/Laboratory Corporation of America, LabCorp
Classification: Uncertain significance. Last evaluated: 2026-01-06. Review status: criteria provided, single submitter. Criteria: LabCorp Variant Classification Summary - May 2015. Collection method: clinical testing. Allele origin: germline.
Comment: Variant summary: The variant involves the duplication of exons 2-12 in the SP110 gene. A presumed nomenclature of c.(-2+1_-1-1)_(1348+1_1349-1)dup has been designated for the purposes of this classification. The exact breakpoint at the 5' end of this variant is unknown, therefore this duplication may extend upstream of the annotated region of this gene. It is predicted to duplicate a segment including the initiation codon, therefore its impact on the encoded protein is unknown. The variant was absent in 21694 control chromosomes. The available data on variant occurrences in the general population are insufficient to allow any conclusion about variant significance. To our knowledge, no occurrence of c.(-2+1_-1-1)_(1348+1_1349-1)dup in individuals affected with SP110-related conditions and no experimental evidence demonstrating its impact on protein function have been reported. No submitters have cited clinical-significance assessments for this variant to ClinVar. Based on the evidence outlined above, the variant was classified as uncertain significance.

NC_000002.11:g.(231042972_231048287)_(231081644_231084588)dup

Gene: SP110 (SP110 nuclear body protein; minus strand). Cytogenetic location: 2q37.1.
Variant type: Duplication.
Identifiers: ClinVar variation 4689589 (VCV004689589.1).